The following is an entry in ClinVar:

ClinVar aggregate classification (germline): Uncertain significance (1 of 4 stars; one submission).

Conditions:
Immunodeficiency 35 (IMD35). Also called: Susceptibility to infection due to TYK2 deficiency; TYK2 DEFICIENCY; HIES WITH ATYPICAL MYCOBACTERIOSIS, AUTOSOMAL RECESSIVE; HYPER-IgE SYNDROME WITH ATYPICAL MYCOBACTERIOSIS, AUTOSOMAL RECESSIVE. Identifiers: Orphanet 331226, MedGen C1969086, MONDO:0012682, OMIM 611521.

Submission:

Neuberg Centre For Genomic Medicine, NCGM
Classification: Uncertain significance for Immunodeficiency 35. Last evaluated: 2024-02-01. Review status: criteria provided, single submitter. Criteria: ACMG Guidelines, 2015. Collection method: clinical testing. Allele origin: germline. Inheritance: Autosomal recessive inheritance.
Comment: The missense variant c.559G>T (p.Ala187Ser) in the TYK2 gene has not been reported previously as a pathogenic variant nor as a benign variant, to our knowledge. The amino acid Ala at position 187 is changed to a Ser changing protein sequence and it might alter its composition and physico-chemical properties. For these reasons, this variant has been classified as Uncertain Significance. In the absence of another reportable variant, the molecular diagnosis is not confirmed

NM_003331.5(TYK2):c.559G>T (p.Ala187Ser)

Gene: TYK2 (tyrosine kinase 2; minus strand). Cytogenetic location: 19p13.2.
Variant type: single nucleotide variant.
Coding change: c.559G>T on transcript NM_003331.5 (MANE Select); coding-DNA position 559, G replaced by T.
Protein change: p.Ala187Ser; replaces alanine 187 with serine.
Molecular consequence: missense variant.
Genome position (GRCh38, 1-based): chr19:10,366,487, C>A on the plus strand (G>T on the coding strand, the complement: TYK2 is on the minus strand). VCF-style: chr19-10366487-C-A. GRCh37 (hg19) VCF-style: chr19-10477163-C-A.
Other names: c.559G>T, p.Ala187Ser (NM_001385202.1, NM_001385203.1, NM_001385204.1 and 9 more transcripts); short protein forms A187S.
Identifiers: ClinVar variation 3898043 (VCV003898043.1).